The following is an entry in ClinVar:

NM_001267550.2(TTN):c.50992del (p.Ser16998fs)

Genes: TTN-AS1 (TTN antisense RNA 1; plus strand), TTN (titin; minus strand). Cytogenetic location: 2q31.2.
Variant type: Deletion.
Coding change: c.50992del on transcript NM_001267550.2 (MANE Select); coding-DNA position 50992, one base deleted (A; older notation c.50992delA).
Protein change: p.Ser16998fs; shifts the reading frame from serine 16998.
Molecular consequence: frameshift variant.
Genome position (GRCh38, 1-based): chr2:178,611,137, T deleted on the plus strand (A on the coding strand, the reverse complement: TTN is on the minus strand); the first of 2 consecutive T bases (chr2:178,611,137-178,611,138); deleting either gives the same sequence. VCF-style (leftmost placement, unchanged base first): chr2-178611136-CT-C. GRCh37 (hg19) VCF-style: chr2-179475863-CT-C.
Other names: c.46069del, p.Ser15357fs (NM_001256850.1); c.23797del, p.Ser7933fs (NM_003319.4); c.43288del, p.Ser14430fs (NM_133378.4); c.24172del, p.Ser8058fs (NM_133432.3); c.24373del, p.Ser8125fs (NM_133437.4); short protein forms S14430fs, S15357fs, S16998fs, S7933fs, S8058fs, S8125fs.
Identifiers: ClinVar variation 3757892 (VCV003757892.2).

ClinVar aggregate classification (germline): Likely pathogenic (1 of 4 stars; one submission).

Conditions:
Dilated cardiomyopathy 1G (CMD1G). Identifiers: Orphanet 154, MedGen C1858763, MONDO:0011400, OMIM 604145.
Autosomal recessive limb-girdle muscular dystrophy type 2J (LGMDR10). Also called: Limb-girdle muscular dystrophy, type 2J; MUSCULAR DYSTROPHY, LIMB-GIRDLE, AUTOSOMAL RECESSIVE 10. Identifiers: Orphanet 140922, MedGen C1837342, MONDO:0012127, OMIM 608807.

Submission:

Labcorp Genetics (formerly Invitae), Labcorp
Classification: Likely pathogenic for Dilated cardiomyopathy 1G; Autosomal recessive limb-girdle muscular dystrophy type 2J. Last evaluated: 2025-10-07. Review status: criteria provided, single submitter. Criteria: Invitae Variant Classification Sherloc (09022015). Collection method: clinical testing. Allele origin: germline.
Comment: This sequence change creates a premature translational stop signal (p.Ser16998Valfs*4) in the TTN gene. While this is not anticipated to result in nonsense mediated decay, it is expected to create a truncated TTN protein. This variant is not present in population databases (gnomAD no frequency). This variant has not been reported in the literature in individuals affected with TTN-related conditions. ClinVar contains an entry for this variant (Variation ID: 3757892). This variant is located in the A band of TTN (PMID: 25589632). Truncating variants in this region are significantly overrepresented in patients affected with dilated cardiomyopathy (PMID: 25589632). Truncating variants in this region have also been reported in individuals affected with autosomal recessive centronuclear myopathy (PMID: 23975875). In summary, the currently available evidence indicates that the variant is pathogenic, but additional data are needed to prove that conclusively. Therefore, this variant has been classified as Likely Pathogenic.

Literature cited by the submitters: PubMed 25589632; PubMed 23975875.